The following is an entry in ClinVar:

ClinVar aggregate classification (germline): Uncertain significance (1 of 4 stars; one submission).

Submission:

Labcorp Genetics (formerly Invitae), Labcorp
Classification: Uncertain significance. Last evaluated: 2022-03-26. Review status: criteria provided, single submitter. Criteria: Invitae Variant Classification Sherloc (09022015). Collection method: clinical testing. Allele origin: germline.
Comment: In summary, the available evidence is currently insufficient to determine the role of this variant in disease. Therefore, it has been classified as a Variant of Uncertain Significance. This variant has not been reported in the literature in individuals affected with SIX6-related conditions. This variant is not present in population databases (gnomAD no frequency). This sequence change creates a premature translational stop signal (p.Lys86Thrfs*6) in the SIX6 gene. It is expected to result in an absent or disrupted protein product. However, the current clinical and genetic evidence is not sufficient to establish whether loss-of-function variants in SIX6 cause disease.

NM_007374.3(SIX6):c.257_261del (p.Lys86fs)

Genes: C14orf39 (chromosome 14 open reading frame 39; minus strand), SIX6 (SIX homeobox 6; plus strand). Cytogenetic location: 14q23.1.
Variant type: Deletion.
Coding change: c.257_261del on transcript NM_007374.3 (MANE Select); coding-DNA positions 257 to 261, 5 bases deleted (AGCTG; older notation c.257_261delAGCTG).
Protein change: p.Lys86fs; shifts the reading frame from lysine 86.
Molecular consequence: frameshift variant.
Genome position (GRCh38, 1-based): chr14:60,509,655-60,509,659, AGCTG deleted. VCF-style (leftmost placement, unchanged base first): chr14-60509654-AAGCTG-A. GRCh37 (hg19) VCF-style: chr14-60976372-AAGCTG-A.
Other names: short protein forms K86fs.
Identifiers: ClinVar variation 2117133 (VCV002117133.4), dbSNP rs2503605609, ClinGen allele CA2580088298.
Genomic context (GRCh38, chr14:60,509,654, plus strand): 5'-AACTACCGCGAGCTCTATCATATCCTGGAAAACCACAAGTTCACCAAGGAGTCGCACGCC[AAGCTG>A]CAGGCGCTGTGGCTTGAAGCACACTACCAGGAGGCTGAGAAGCTGCGTGGAAGACCCCTG-3'